The following is an entry in ClinVar:

ClinVar aggregate classification (germline): Benign/Likely benign. Review status: criteria provided, multiple submitters, no conflicts (2 of 4 stars). 13 submissions from 10 submitters: Benign (7); Likely benign (5). 1 of the submissions does not count toward it. Last evaluated 2026-02-02.

Conditions:
RET-related disorder. Also called: RET-related condition; RET-related disease; RET-related disorders.
Multiple endocrine neoplasia, type 2 (MEN2). Identifiers: Orphanet 653, MedGen C4048306, MONDO:0019003. Disease mechanism: gain of function.
Hirschsprung disease, susceptibility to, 1 (HSCR1). Also called: RET-Related Hirschsprung Disease. Identifiers: Orphanet 388, MedGen C3888239, MONDO:0007723, OMIM 142623.
Familial medullary thyroid carcinoma (MTC). Also called: Thyroid cancer, familial medullary; MTC, familial; Familial Medullary Thyroid Carcinoma (FMTC). Identifiers: Orphanet 653, Orphanet 99361, MedGen C1833921, MONDO:0007958, OMIM 155240.
Pheochromocytoma. Also called: MAX-Related Hereditary Paraganglioma-Pheochromocytoma Syndrome. Identifiers: Orphanet 29072, MedGen C0031511, MONDO:0008233, OMIM 171300, HP:0002666.
Multiple endocrine neoplasia type 2A. Also called: Multiple Endocrine Neoplasia Type 2A (MEN2A); MULTIPLE ENDOCRINE NEOPLASIA, TYPE IIA; PTC SYNDROME; SIPPLE SYNDROME; MEN 2A; MEN-2A syndrome. Identifiers: Orphanet 247698, Orphanet 653, MedGen C0025268, MeSH D018813, MONDO:0008234, OMIM 171400.
Multiple endocrine neoplasia type 2B. Also called: Multiple endocrine neoplasia, type 3; MEN 2B; MEN IIB; NEUROMATA, MUCOSAL, WITH ENDOCRINE TUMORS; Multiple Endocrine Neoplasia Type 2B (MEN2B); WAGENMANN-FROBOESE SYNDROME. Identifiers: Orphanet 247709, Orphanet 653, MedGen C0025269, MeSH D018814, MONDO:0008082, OMIM 162300.
Multiple endocrine neoplasia. Identifiers: Orphanet 276161, MedGen C0027662, MONDO:0017169.
Renal hypodysplasia/aplasia 1 (RHDA1). Also called: RENAL APLASIA; HEREDITARY RENAL APLASIA. Identifiers: Orphanet 411709, MedGen C1619700, MONDO:0024519, OMIM 191830.

Allele frequency attached by ClinVar (database versions not stated): gnomAD below 0.00001 and 0.00013; TOPMed 0.00003; gnomAD exomes 0.00024 and 0.00048; 1000 Genomes Project 30x 0.00031; 1000 Genomes Project 0.00060; ExAC 0.00126.
gnomAD v4.1: 370 of 1,597,416 alleles (0.023%); highest among the groups gnomAD compares: South Asian, 0.4%; 3 homozygotes.

Submissions (13):

Labcorp Genetics (formerly Invitae), Labcorp
Classification: Benign for Multiple endocrine neoplasia, type 2. Last evaluated: 2026-02-02. Review status: criteria provided, single submitter. Criteria: Invitae Variant Classification Sherloc (09022015). Collection method: clinical testing. Allele origin: germline.

Quest Diagnostics Nichols Institute San Juan Capistrano
Classification: Benign. Last evaluated: 2025-06-20. Review status: criteria provided, single submitter. Criteria: Quest Diagnostics criteria. Collection method: clinical testing. Allele origin: unknown.

Myriad Genetics, Inc.
Classification: Benign for Multiple endocrine neoplasia type 2A. Last evaluated: 2024-09-04. Review status: criteria provided, single submitter. Criteria: Myriad Autosomal Dominant, Autosomal Recessive and X-Linked Classification Criteria (2023). Collection method: clinical testing. Allele origin: unknown.
Comment: This variant is considered benign. This variant is intronic and is not expected to impact mRNA splicing. This variant has been observed at a population frequency that is significantly greater than expected given the associated disease prevalence and penetrance.

Blueprint Genetics
Classification: Likely benign. Last evaluated: 2024-07-08. Review status: criteria provided, single submitter. Criteria: ACMG Guidelines, 2015. Collection method: clinical testing. Allele origin: germline.

All of Us Research Program, National Institutes of Health
Classification: Likely benign for Multiple endocrine neoplasia, type 2. Last evaluated: 2024-01-11. Review status: criteria provided, single submitter. Criteria: ACMG Guidelines, 2015. Collection method: clinical testing. Allele origin: germline. Inheritance: Autosomal dominant inheritance. Observed: 16 variant alleles, 16 heterozygotes.
Comment: This study involves interpretation of variants in research participants for the purpose of population health screening. Participant phenotype was not available at the time of variant classification. Additional details can be found in publication PMID: 35346344, PMCID: PMC8962531

Department of Pathology and Laboratory Medicine, Sinai Health System
Classification: Benign for multiple endocrine neoplasia type 2A. Last evaluated: 2023-06-07. Review status: criteria provided, single submitter. Criteria: ACMG Guidelines, 2015. Collection method: clinical testing. Allele origin: germline. Affected: yes.

Color Diagnostics, LLC DBA Color Health
Classification: Likely benign for Multiple endocrine neoplasia, type 2. Last evaluated: 2022-11-06. Review status: criteria provided, single submitter. Criteria: ACMG Guidelines, 2015. Collection method: clinical testing. Allele origin: germline.

Fulgent Genetics
Classification: Likely benign for Hirschsprung disease, susceptibility to, 1; Familial medullary thyroid carcinoma; Multiple endocrine neoplasia type 2B; Pheochromocytoma; Multiple endocrine neoplasia type 2A. Last evaluated: 2021-10-20. Review status: criteria provided, single submitter. Criteria: ACMG Guidelines, 2015. Collection method: clinical testing. Allele origin: unknown.

Illumina Laboratory Services, Illumina
Classification: Benign for Pheochromocytoma. Last evaluated: 2018-01-13. Review status: criteria provided, single submitter. Criteria: ICSL Variant Classification Criteria 13 December 2019. Collection method: clinical testing. Allele origin: germline.
Comment: This variant was observed in the ICSL laboratory as part of a predisposition screen in an ostensibly healthy population. It had not been previously curated by ICSL or reported in the Human Gene Mutation Database (HGMD: prior to June 1st, 2018), and was therefore a candidate for classification through an automated scoring system. Utilizing variant allele frequency, disease prevalence and penetrance estimates, and inheritance mode, an automated score was calculated to assess if this variant is too frequent to cause the disease. Based on the score and internal cut-off values, a variant classified as benign is not then subjected to further curation. The score for this variant resulted in a classification of benign for this disease.

Illumina Laboratory Services, Illumina
Classification: Benign for Hirschsprung disease, susceptibility to, 1. Last evaluated: 2018-01-13. Review status: criteria provided, single submitter. Criteria: ICSL Variant Classification Criteria 13 December 2019. Collection method: clinical testing. Allele origin: germline.
Comment: the same text as in the submission from Illumina Laboratory Services, Illumina above.

Illumina Laboratory Services, Illumina
Classification: Benign for Multiple endocrine neoplasia. Last evaluated: 2018-01-13. Review status: criteria provided, single submitter. Criteria: ICSL Variant Classification Criteria 13 December 2019. Collection method: clinical testing. Allele origin: germline.
Comment: the same text as in the submission from Illumina Laboratory Services, Illumina above.

Illumina Laboratory Services, Illumina
Classification: Likely benign for Renal hypodysplasia/aplasia 1. Last evaluated: 2018-01-13. Review status: criteria provided, single submitter. Criteria: ICSL Variant Classification Criteria 13 December 2019. Collection method: clinical testing. Allele origin: germline.
Comment: This variant was observed in the ICSL laboratory as part of a predisposition screen in an ostensibly healthy population. It had not been previously curated by ICSL or reported in the Human Gene Mutation Database (HGMD: prior to June 1st, 2018), and was therefore a candidate for classification through an automated scoring system. Utilizing variant allele frequency, disease prevalence and penetrance estimates, and inheritance mode, an automated score was calculated to assess if this variant is too frequent to cause the disease. Based on the score and internal cut-off values, a variant classified as likely benign is not then subjected to further curation. The score for this variant resulted in a classification of likely benign for this disease.

PreventionGenetics, part of Exact Sciences
Classification: Likely benign for RET-related condition. Last evaluated: 2019-10-30. Review status: no assertion criteria provided. Collection method: clinical testing. Allele origin: germline. Not counted in ClinVar's aggregate classification.
Comment: This variant is classified as likely benign based on ACMG/AMP sequence variant interpretation guidelines (Richards et al. 2015 PMID: 25741868, with internal and published modifications).

NM_020975.6(RET):c.1523-7C>T

Gene: RET (ret proto-oncogene; plus strand). Cytogenetic location: 10q11.21.
Variant type: single nucleotide variant.
Coding change: c.1523-7C>T on transcript NM_020975.6 (MANE Select); 7 bases into the intron before coding-DNA position 1523, C replaced by T.
Molecular consequence: intron variant.
Genome position (GRCh38, 1-based): chr10:43,112,092, C>T. VCF-style: chr10-43112092-C-T. GRCh37 (hg19) VCF-style: chr10-43607540-C-T.
Other names: c.1523-7C>T (NM_020630.7, NM_001406743.1, NM_001406744.1 and 4 more transcripts); c.1127-7C>T (NM_001406772.1, NM_001406769.1); c.1085-7C>T (NM_001406773.1, NM_001406771.1); c.626-7C>T (NM_001406782.1, NM_001406780.1, NM_001406779.1 and 3 more transcripts); c.1394-7C>T (NM_001406764.1, NM_001406762.1, NM_001406761.1 and 1 more transcripts); c.998-7C>T (NM_001406774.1); c.497-7C>T (NM_001406786.1, NM_001406783.1); c.1235-7C>T (NM_001406770.1, NM_001406766.1, NM_001406767.1); and 5 more.
Identifiers: ClinVar variation 299893 (VCV000299893.25), dbSNP rs567967877, ClinGen allele CA034277.
Genomic context (GRCh38, chr10:43,112,092, plus strand): 5'-CTTGGGCACTAGCTGGACGCTGGGCCCAGGCCAGCCCCCTGTGACCCTGCTTGTCTGCCA[C>T]CTGCAGATGTGGCCGAGGAGGCGGGCTGCCCCCTGTCCTGTGCAGTCAGCAAGAGACGGC-3'